The following is an entry in ClinVar:

NM_004281.4(BAG3):c.95C>T (p.Pro32Leu)

Gene: BAG3 (BAG cochaperone 3; plus strand). Cytogenetic location: 10q26.11.
Variant type: single nucleotide variant.
Coding change: c.95C>T on transcript NM_004281.4 (MANE Select); coding-DNA position 95, C replaced by T.
Protein change: p.Pro32Leu; replaces proline 32 with leucine.
Molecular consequence: missense variant.
Genome position (GRCh38, 1-based): chr10:119,651,770, C>T. VCF-style: chr10-119651770-C-T. GRCh37 (hg19) VCF-style: chr10-121411282-C-T.
Other names: short protein forms P32L.
Identifiers: ClinVar variation 1985573 (VCV001985573.7), dbSNP rs759915726, ClinGen allele CA378294167.

ClinVar aggregate classification (germline): Uncertain significance. Review status: criteria provided, multiple submitters, no conflicts (2 of 4 stars). 3 submissions from 3 submitters: Uncertain significance (3). Last evaluated 2025-09-12.

Conditions:
Myofibrillar myopathy 6. Identifiers: Orphanet 199340, MedGen C2751831, MONDO:0013061, OMIM 612954.
Dilated cardiomyopathy 1HH (CMD1HH). Identifiers: Orphanet 154, MedGen C3151293, MONDO:0013479, OMIM 613881.
Cardiovascular phenotype. Identifiers: MedGen CN230736.

Allele frequency attached by ClinVar (database versions not stated): TOPMed below 0.00001; gnomAD 0.00001.
gnomAD v4.1: 6 of 1,600,488 alleles (0.00037%); highest among the groups gnomAD compares: Non-Finnish European, 0.00051%; no homozygotes.

Submissions (3):

Labcorp Genetics (formerly Invitae), Labcorp
Classification: Uncertain significance for Dilated cardiomyopathy 1HH; Myofibrillar myopathy 6. Last evaluated: 2025-09-12. Review status: criteria provided, single submitter. Criteria: Invitae Variant Classification Sherloc (09022015). Collection method: clinical testing. Allele origin: germline.
Comment: This sequence change replaces proline, which is neutral and non-polar, with leucine, which is neutral and non-polar, at codon 32 of the BAG3 protein (p.Pro32Leu). This variant is not present in population databases (gnomAD no frequency). This variant has not been reported in the literature in individuals affected with BAG3-related conditions. ClinVar contains an entry for this variant (Variation ID: 1985573). An algorithm developed to predict the effect of missense changes on protein structure and function (PolyPhen-2) suggests that this variant is likely to be disruptive. In summary, the available evidence is currently insufficient to determine the role of this variant in disease. Therefore, it has been classified as a Variant of Uncertain Significance.

Ambry Genetics
Classification: Uncertain significance for Cardiovascular phenotype. Last evaluated: 2022-11-10. Review status: criteria provided, single submitter. Criteria: Ambry Variant Classification Scheme 2023. Collection method: clinical testing. Allele origin: germline.
Comment: The p.P32L variant (also known as c.95C>T), located in coding exon 1 of the BAG3 gene, results from a C to T substitution at nucleotide position 95. The proline at codon 32 is replaced by leucine, an amino acid with similar properties. This amino acid position is conserved. In addition, the in silico prediction for this alteration is inconclusive. Since supporting evidence is limited at this time, the clinical significance of this alteration remains unclear.

Revvity Omics, Revvity
Classification: Uncertain significance. Last evaluated: 2022-05-11. Review status: criteria provided, single submitter. Criteria: ACMG Guidelines, 2015. Collection method: clinical testing. Allele origin: germline.